The following is an entry in ClinVar:

NM_025099.6(CTC1):c.1280G>T (p.Gly427Val)

Gene: CTC1 (CST telomere replication complex component 1; minus strand). Cytogenetic location: 17p13.1.
Variant type: single nucleotide variant.
Coding change: c.1280G>T on transcript NM_025099.6 (MANE Select); coding-DNA position 1280, G replaced by T.
Protein change: p.Gly427Val; replaces glycine 427 with valine.
Molecular consequence: missense variant. On other transcripts: non-coding transcript variant (1).
Genome position (GRCh38, 1-based): chr17:8,235,212, C>A on the plus strand (G>T on the coding strand, the complement: CTC1 is on the minus strand). VCF-style: chr17-8235212-C-A. GRCh37 (hg19) VCF-style: chr17-8138530-C-A.
Other names: short protein forms G427V.
Identifiers: ClinVar variation 658724 (VCV000658724.8), dbSNP rs781203515, ClinGen allele CA8372400.

ClinVar aggregate classification (germline): Uncertain significance (1 of 4 stars; one submission).

Conditions:
Dyskeratosis congenita. Identifiers: Orphanet 1775, MedGen C0265965, MONDO:0015780.

Allele frequency attached by ClinVar (database versions not stated): gnomAD exomes below 0.00001; ExAC 0.00001.
gnomAD v4.1: 7 of 1,614,128 alleles (0.00043%); highest among the groups gnomAD compares: Non-Finnish European, 0.00059%; no homozygotes.

Submission:

Labcorp Genetics (formerly Invitae), Labcorp
Classification: Uncertain significance for Dyskeratosis congenita. Last evaluated: 2022-09-15. Review status: criteria provided, single submitter. Criteria: Invitae Variant Classification Sherloc (09022015). Collection method: clinical testing. Allele origin: germline.
Comment: This sequence change replaces glycine, which is neutral and non-polar, with valine, which is neutral and non-polar, at codon 427 of the CTC1 protein (p.Gly427Val). This variant is present in population databases (rs781203515, gnomAD 0.0009%). This variant has not been reported in the literature in individuals affected with CTC1-related conditions. ClinVar contains an entry for this variant (Variation ID: 658724). Advanced modeling of protein sequence and biophysical properties (such as structural, functional, and spatial information, amino acid conservation, physicochemical variation, residue mobility, and thermodynamic stability) performed at Invitae indicates that this missense variant is expected to disrupt CTC1 protein function. In summary, the available evidence is currently insufficient to determine the role of this variant in disease. Therefore, it has been classified as a Variant of Uncertain Significance.